The following is an entry in ClinVar:

NM_001367624.2(ZNF469):c.1775_1776delinsGG (p.Pro592Arg)

Gene: ZNF469 (zinc finger protein 469; plus strand). Cytogenetic location: 16q24.2.
Variant type: Indel.
Coding change: c.1775_1776delinsGG on transcript NM_001367624.2 (MANE Select); coding-DNA positions 1775 to 1776, CA replaced by GG.
Protein change: p.Pro592Arg; replaces proline 592 with arginine.
Molecular consequence: missense variant.
Genome position (GRCh38, 1-based): chr16:88,429,245-88,429,246, CA replaced by GG. VCF-style: chr16-88429245-CA-GG. GRCh37 (hg19) VCF-style: chr16-88495653-CA-GG.
Other names: NM_001127464.1:c.1775_1776delCAinsGG; short protein forms P592R.
Identifiers: ClinVar variation 1779853 (VCV001779853.2), dbSNP rs2507576055, ClinGen allele CA2580092217.

ClinVar aggregate classification (germline): Uncertain significance (1 of 4 stars; one submission).

Conditions:
Cardiovascular phenotype. Identifiers: MedGen CN230736.

Submission:

Ambry Genetics
Classification: Uncertain significance for Cardiovascular phenotype. Last evaluated: 2021-04-27. Review status: criteria provided, single submitter. Criteria: Ambry Variant Classification Scheme 2023. Collection method: clinical testing. Allele origin: germline.
Comment: The c.1775_1776delCAinsGG variant (also known as p.P592R), located in coding exon 1 of the ZNF469 gene, results from an in-frame deletion of CA and insertion of GG at nucleotide positions 1775 to 1776. This results in the substitution of the proline residue for an arginine residue at codon 592, an amino acid with dissimilar properties. Based on data from gnomAD, this allele has an overall frequency of 0.001% (2/144438) total alleles studied. The highest observed frequency was 0.004% (2/52312) of European alleles. This amino acid position is well conserved in available vertebrate species. In addition, the in silico prediction for this alteration is inconclusive (Choi Y et al. PLoS ONE. 2012; 7(10):e46688). Since supporting evidence is limited at this time, the clinical significance of this alteration remains unclear.